The following is an entry in ClinVar:

NM_032348.4(MXRA8):c.1248G>A (p.Glu416=)

Gene: MXRA8 (matrix remodeling associated 8; minus strand). Cytogenetic location: 1p36.33.
Variant type: single nucleotide variant.
Coding change: c.1248G>A on transcript NM_032348.4 (MANE Select); coding-DNA position 1248, G replaced by A.
Protein change: p.Glu416=; no amino-acid change (glutamic acid 416 retained).
Molecular consequence: synonymous variant.
Genome position (GRCh38, 1-based): chr1:1,353,903, C>T on the plus strand (G>A on the coding strand, the complement: MXRA8 is on the minus strand). VCF-style: chr1-1353903-C-T. GRCh37 (hg19) VCF-style: chr1-1289283-C-T.
Other names: c.1248G>A, p.Glu416= (NM_001282582.2); c.1221G>A, p.Glu407= (NM_001282583.2); c.945G>A, p.Glu315= (NM_001282584.2); c.1266G>A, p.Glu422= (NM_001282585.1).
Identifiers: ClinVar variation 3048943 (VCV003048943.2), dbSNP rs148662269, ClinGen allele CA520971.

ClinVar aggregate classification (germline): Likely benign (0 of 4 stars; one submission).

Conditions:
MXRA8-related disorder. Also called: MXRA8-related condition.

Allele frequency attached by ClinVar (database versions not stated): gnomAD 0.00003; TOPMed 0.00003; ExAC 0.00006; gnomAD exomes 0.00007; ESP Exome Variant Server 0.00015.
gnomAD v4.1: 108 of 1,609,688 alleles (0.0067%); highest among the groups gnomAD compares: Non-Finnish European, 0.0088%; no homozygotes.

Submission:

PreventionGenetics, part of Exact Sciences
Classification: Likely benign for MXRA8-related condition. Last evaluated: 2019-03-27. Review status: no assertion criteria provided. Collection method: clinical testing. Allele origin: germline.
Comment: This variant is classified as likely benign based on ACMG/AMP sequence variant interpretation guidelines (Richards et al. 2015 PMID: 25741868, with internal and published modifications).